The following is an entry in ClinVar:

NM_003200.5(TCF3):c.1282G>C (p.Gly428Arg)

Gene: TCF3 (transcription factor 3; minus strand). Cytogenetic location: 19p13.3.
Variant type: single nucleotide variant.
Coding change: c.1282G>C on transcript NM_003200.5 (MANE Select); coding-DNA position 1282, G replaced by C.
Protein change: p.Gly428Arg; replaces glycine 428 with arginine.
Molecular consequence: missense variant.
Genome position (GRCh38, 1-based): chr19:1,619,360, C>G on the plus strand (G>C on the coding strand, the complement: TCF3 is on the minus strand). VCF-style: chr19-1619360-C-G. GRCh37 (hg19) VCF-style: chr19-1619359-C-G.
Other names: c.1282G>C, p.Gly428Arg (NM_001136139.4, NM_001351779.2); c.1279G>C, p.Gly427Arg (NM_001351778.2); short protein forms G427R, G428R.
Identifiers: ClinVar variation 1383666 (VCV001383666.6), dbSNP rs2061901153, ClinGen allele CA403053058.

ClinVar aggregate classification (germline): Uncertain significance (1 of 4 stars; one submission).

Submission:

Labcorp Genetics (formerly Invitae), Labcorp
Classification: Uncertain significance. Last evaluated: 2022-07-11. Review status: criteria provided, single submitter. Criteria: Invitae Variant Classification Sherloc (09022015). Collection method: clinical testing. Allele origin: germline.
Comment: In summary, the available evidence is currently insufficient to determine the role of this variant in disease. Therefore, it has been classified as a Variant of Uncertain Significance. Algorithms developed to predict the effect of sequence changes on RNA splicing suggest that this variant may disrupt the consensus splice site. Algorithms developed to predict the effect of missense changes on protein structure and function are either unavailable or do not agree on the potential impact of this missense change (SIFT: "Not Available"; PolyPhen-2: "Possibly Damaging"; Align-GVGD: "Not Available"). ClinVar contains an entry for this variant (Variation ID: 1383666). This variant has not been reported in the literature in individuals affected with TCF3-related conditions. This variant is not present in population databases (gnomAD no frequency). This sequence change replaces glycine with arginine at codon 428 of the TCF3 protein (p.Gly428Arg). The glycine residue is weakly conserved and there is a moderate physicochemical difference between glycine and arginine.